The following is an entry in ClinVar:

ClinVar aggregate classification (germline): Uncertain significance. Review status: criteria provided, multiple submitters, no conflicts (2 of 4 stars). 2 submissions from 2 submitters: Uncertain significance (2). Last evaluated 2026-07-02.

Conditions:
Tuberous sclerosis 2 (TSC2). Identifiers: Orphanet 805, MedGen C1860707, MONDO:0013199, OMIM 613254.
Hereditary cancer-predisposing syndrome. Also called: Tumor predisposition; Hereditary neoplastic syndrome; Neoplastic Syndromes, Hereditary; Hereditary Cancer Syndrome. Identifiers: Orphanet 140162, MedGen C0027672, MeSH D009386, MONDO:0015356.

gnomAD v4.1: 1 of 1,612,990 alleles (0.000062%); highest among the groups gnomAD compares: Non-Finnish European, 0.000085%; no homozygotes.

Submissions (2):

Ambry Genetics
Classification: Uncertain significance for Hereditary cancer-predisposing syndrome. Last evaluated: 2026-07-02. Review status: criteria provided, single submitter. Criteria: Ambry Variant Classification Scheme 2023. Collection method: clinical testing. Allele origin: germline.
Comment: The p.V1139L variant (also known as c.3415G>C), located in coding exon 29 of the TSC2 gene, results from a G to C substitution at nucleotide position 3415. The valine at codon 1139 is replaced by leucine, an amino acid with highly similar properties. This amino acid position is conserved. In addition, the in silico prediction for this alteration is inconclusive. Based on the available evidence, the clinical significance of this variant remains unclear.

Labcorp Genetics (formerly Invitae), Labcorp
Classification: Uncertain significance for Tuberous sclerosis 2. Last evaluated: 2025-01-14. Review status: criteria provided, single submitter. Criteria: Invitae Variant Classification Sherloc (09022015). Collection method: clinical testing. Allele origin: germline.
Comment: This sequence change replaces valine, which is neutral and non-polar, with leucine, which is neutral and non-polar, at codon 1139 of the TSC2 protein (p.Val1139Leu). This variant is not present in population databases (gnomAD no frequency). This variant has not been reported in the literature in individuals affected with TSC2-related conditions. ClinVar contains an entry for this variant (Variation ID: 861515). Invitae Evidence Modeling of protein sequence and biophysical properties (such as structural, functional, and spatial information, amino acid conservation, physicochemical variation, residue mobility, and thermodynamic stability) indicates that this missense variant is not expected to disrupt TSC2 protein function with a negative predictive value of 95%. In summary, the available evidence is currently insufficient to determine the role of this variant in disease. Therefore, it has been classified as a Variant of Uncertain Significance.

NM_000548.5(TSC2):c.3415G>C (p.Val1139Leu)

Gene: TSC2 (TSC complex subunit 2; plus strand). Cytogenetic location: 16p13.3.
Variant type: single nucleotide variant.
Coding change: c.3415G>C on transcript NM_000548.5 (MANE Select); coding-DNA position 3415, G replaced by C.
Protein change: p.Val1139Leu; replaces valine 1139 with leucine.
Molecular consequence: missense variant.
Genome position (GRCh38, 1-based): chr16:2,080,182, G>C. VCF-style: chr16-2080182-G-C. GRCh37 (hg19) VCF-style: chr16-2130183-G-C.
Other names: c.3283G>C, p.Val1095Leu (NM_001077183.3, NM_001370404.1); c.3415G>C, p.Val1139Leu (NM_001114382.3); c.3175G>C, p.Val1059Leu (NM_001318827.2); c.3139G>C, p.Val1047Leu (NM_001318829.2); c.2683G>C, p.Val895Leu (NM_001318831.2); c.3316G>C, p.Val1106Leu (NM_001318832.2); c.3286G>C, p.Val1096Leu (NM_001363528.2, NM_001370405.1, NM_021055.3); short protein forms V1047L, V1106L, V1059L, V1095L, V1139L, V1096L, V895L.
Identifiers: ClinVar variation 861515 (VCV000861515.10), dbSNP rs759174655, ClinGen allele CA394288462.
Genomic context (GRCh38, chr16:2,080,182, plus strand): 5'-ATCAGGTAAGTGGTGGTCACCAGTCCTCTGCCCTCTTCTTCAGGGGGCCATGGTCTTCGA[G>C]TTGGCGCCCTGGACGTGCCGGCCTCCCAGTTCCTGGGCAGTGCCACTTCTCCAGGACCAC-3'
Protein context (NP_000539.2, residues 1129-1149): RSMSGGHGLR[Val1139Leu]GALDVPASQF